The following is an entry in ClinVar:

NM_013314.4(BLNK):c.196G>A (p.Asp66Asn)

Gene: BLNK (B cell linker; minus strand). Cytogenetic location: 10q24.1.
Variant type: single nucleotide variant.
Coding change: c.196G>A on transcript NM_013314.4 (MANE Select); coding-DNA position 196, G replaced by A.
Protein change: p.Asp66Asn; replaces aspartic acid 66 with asparagine.
Molecular consequence: missense variant. On other transcripts: non-coding transcript variant (4).
Genome position (GRCh38, 1-based): chr10:96,230,802, C>T on the plus strand (G>A on the coding strand, the complement: BLNK is on the minus strand). VCF-style: chr10-96230802-C-T. GRCh37 (hg19) VCF-style: chr10-97990558-C-T.
Other names: c.196G>A, p.Asp66Asn (NM_001114094.2, NM_001258440.2, NM_001258441.2 and 1 more transcripts); short protein forms D66N.
Identifiers: ClinVar variation 658679 (VCV000658679.7), dbSNP rs1490043216, ClinGen allele CA377727069.

ClinVar aggregate classification (germline): Uncertain significance (1 of 4 stars; one submission).

Conditions:
Agammaglobulinemia 4, autosomal recessive (AGM4). Also called: B cell linker protein deficiency; AGAMMAGLOBULINEMIA, AUTOSOMAL RECESSIVE, DUE TO BLNK DEFECT. Identifiers: MedGen C3150752, MONDO:0013289, OMIM 613502.

Allele frequency attached by ClinVar (database versions not stated): gnomAD exomes 0.00001; TOPMed 0.00001; gnomAD 0.00001.
gnomAD v4.1: 15 of 1,610,224 alleles (0.00093%); highest among the groups gnomAD compares: East Asian, 0.0022%; no homozygotes.

Submission:

Labcorp Genetics (formerly Invitae), Labcorp
Classification: Uncertain significance for Agammaglobulinemia 4, autosomal recessive. Last evaluated: 2018-12-20. Review status: criteria provided, single submitter. Criteria: Invitae Variant Classification Sherloc (09022015). Collection method: clinical testing. Allele origin: germline.
Comment: This sequence change replaces aspartic acid with asparagine at codon 66 of the BLNK protein (p.Asp66Asn). The aspartic acid residue is highly conserved and there is a small physicochemical difference between aspartic acid and asparagine. This variant is not present in population databases (ExAC no frequency). This variant has not been reported in the literature in individuals with BLNK-related conditions. Algorithms developed to predict the effect of missense changes on protein structure and function are either unavailable or do not agree on the potential impact of this missense change (SIFT: "Deleterious"; PolyPhen-2: "Probably Damaging"; Align-GVGD: "Class C15"). In summary, the available evidence is currently insufficient to determine the role of this variant in disease. Therefore, it has been classified as a Variant of Uncertain Significance.